The following is an entry in ClinVar:

NM_033026.6(PCLO):c.6741A>C (p.Leu2247Phe)

Gene: PCLO (piccolo presynaptic cytomatrix protein; minus strand). Cytogenetic location: 7q21.11.
Variant type: single nucleotide variant.
Coding change: c.6741A>C on transcript NM_033026.6 (MANE Select); coding-DNA position 6741, A replaced by C.
Protein change: p.Leu2247Phe; replaces leucine 2247 with phenylalanine.
Molecular consequence: missense variant.
Genome position (GRCh38, 1-based): chr7:82,954,212, T>G on the plus strand (A>C on the coding strand, the complement: PCLO is on the minus strand). VCF-style: chr7-82954212-T-G. GRCh37 (hg19) VCF-style: chr7-82583528-T-G.
Other names: c.6741A>C, p.Leu2247Phe (NM_014510.3); short protein forms L2247F.
Identifiers: ClinVar variation 2417834 (VCV002417834.3), dbSNP rs941799902, ClinGen allele CA161147193.

ClinVar aggregate classification (germline): Uncertain significance (1 of 4 stars; one submission).

Allele frequency attached by ClinVar (database versions not stated): gnomAD 0.00001; TOPMed 0.00002.
gnomAD v4.1: 5 of 1,613,540 alleles (0.00031%); highest among the groups gnomAD compares: African/African-American, 0.0053%; no homozygotes.

Submission:

Labcorp Genetics (formerly Invitae), Labcorp
Classification: Uncertain significance. Last evaluated: 2022-03-09. Review status: criteria provided, single submitter. Criteria: Invitae Variant Classification Sherloc (09022015). Collection method: clinical testing. Allele origin: germline.
Comment: This sequence change replaces leucine, which is neutral and non-polar, with phenylalanine, which is neutral and non-polar, at codon 2247 of the PCLO protein (p.Leu2247Phe). This variant is present in population databases (no rsID available, gnomAD 0.007%). This variant has not been reported in the literature in individuals affected with PCLO-related conditions. Algorithms developed to predict the effect of missense changes on protein structure and function output the following: SIFT: "Tolerated"; PolyPhen-2: "Not Available"; Align-GVGD: "Class C0". The phenylalanine amino acid residue is found in multiple mammalian species, which suggests that this missense change does not adversely affect protein function. In summary, the available evidence is currently insufficient to determine the role of this variant in disease. Therefore, it has been classified as a Variant of Uncertain Significance.